The following is an entry in ClinVar:

NM_005732.4(RAD50):c.725A>G (p.Lys242Arg)

Gene: RAD50 (RAD50 double strand break repair protein; plus strand). Cytogenetic location: 5q31.1.
Variant type: single nucleotide variant.
Coding change: c.725A>G on transcript NM_005732.4 (MANE Select); coding-DNA position 725, A replaced by G.
Protein change: p.Lys242Arg; replaces lysine 242 with arginine.
Molecular consequence: missense variant.
Genome position (GRCh38, 1-based): chr5:132,580,035, A>G. VCF-style: chr5-132580035-A-G. GRCh37 (hg19) VCF-style: chr5-131915727-A-G.
Other names: short protein forms K242R.
Identifiers: ClinVar variation 527340 (VCV000527340.18), dbSNP rs1270062150, ClinGen allele CA360937146.

ClinVar aggregate classification (germline): Uncertain significance. Review status: criteria provided, multiple submitters, no conflicts (2 of 4 stars). 2 submissions from 2 submitters: Uncertain significance (2). Last evaluated 2025-02-11.

Conditions:
Hereditary cancer-predisposing syndrome. Also called: Neoplastic Syndromes, Hereditary; Tumor predisposition; Hereditary Cancer Syndrome; Hereditary neoplastic syndrome. Identifiers: Orphanet 140162, MedGen C0027672, MeSH D009386, MONDO:0015356.

Allele frequency attached by ClinVar (database versions not stated): gnomAD 0.00001; gnomAD exomes 0.00001 and 0.00002; TOPMed 0.00002.

Submissions (2):

Ambry Genetics
Classification: Uncertain significance for Hereditary cancer-predisposing syndrome. Last evaluated: 2025-02-11. Review status: criteria provided, single submitter. Criteria: Ambry Variant Classification Scheme 2023. Collection method: clinical testing. Allele origin: germline.
Comment: The p.K242R variant (also known as c.725A>G), located in coding exon 5 of the RAD50 gene, results from an A to G substitution at nucleotide position 725. The lysine at codon 242 is replaced by arginine, an amino acid with highly similar properties. This amino acid position is not well conserved in available vertebrate species. In addition, this alteration is predicted to be tolerated by in silico analysis. Since supporting evidence is limited at this time, the clinical significance of this alteration remains unclear.

Labcorp Genetics (formerly Invitae), Labcorp
Classification: Uncertain significance for Hereditary cancer-predisposing syndrome. Last evaluated: 2024-04-22. Review status: criteria provided, single submitter. Criteria: Invitae Variant Classification Sherloc (09022015). Collection method: clinical testing. Allele origin: germline.
Comment: This sequence change replaces lysine, which is basic and polar, with arginine, which is basic and polar, at codon 242 of the RAD50 protein (p.Lys242Arg). This variant is present in population databases (no rsID available, gnomAD 0.003%). This variant has not been reported in the literature in individuals affected with RAD50-related conditions. ClinVar contains an entry for this variant (Variation ID: 527340). Advanced modeling of protein sequence and biophysical properties (such as structural, functional, and spatial information, amino acid conservation, physicochemical variation, residue mobility, and thermodynamic stability) performed at Invitae indicates that this missense variant is not expected to disrupt RAD50 protein function with a negative predictive value of 80%. In summary, the available evidence is currently insufficient to determine the role of this variant in disease. Therefore, it has been classified as a Variant of Uncertain Significance.